The following is an entry in ClinVar:

NM_005751.5(AKAP9):c.2825T>C (p.Met942Thr)

Gene: AKAP9 (A-kinase anchoring protein 9; plus strand). Cytogenetic location: 7q21.2.
Variant type: single nucleotide variant.
Coding change: c.2825T>C on transcript NM_005751.5 (MANE Select); coding-DNA position 2825, T replaced by C.
Protein change: p.Met942Thr; replaces methionine 942 with threonine.
Molecular consequence: missense variant.
Genome position (GRCh38, 1-based): chr7:92,002,742, T>C. VCF-style: chr7-92002742-T-C. GRCh37 (hg19) VCF-style: chr7-91632056-T-C.
Other names: c.2825T>C, p.Met942Thr (NM_147185.3); short protein forms M942T.
Identifiers: ClinVar variation 3225031 (VCV003225031.1), dbSNP rs2484695163, ClinGen allele CA368125013.

ClinVar aggregate classification (germline): Uncertain significance (1 of 4 stars; one submission).

Conditions:
Cardiovascular phenotype. Identifiers: MedGen CN230736.

Allele frequency attached by ClinVar (database versions not stated): gnomAD exomes below 0.00001.
gnomAD v4.1: 1 of 1,613,626 alleles (0.000062%); highest among the groups gnomAD compares: Non-Finnish European, 0.000085%; no homozygotes.

Submission:

Ambry Genetics
Classification: Uncertain significance for Cardiovascular phenotype. Last evaluated: 2023-12-12. Review status: criteria provided, single submitter. Criteria: Ambry Variant Classification Scheme 2023. Collection method: clinical testing. Allele origin: germline.
Comment: The p.M942T variant (also known as c.2825T>C), located in coding exon 8 of the AKAP9 gene, results from a T to C substitution at nucleotide position 2825. The methionine at codon 942 is replaced by threonine, an amino acid with similar properties. This amino acid position is conserved. In addition, this alteration is predicted to be tolerated by in silico analysis. Since supporting evidence is limited at this time, the clinical significance of this alteration remains unclear.